The following is an entry in ClinVar:

ClinVar aggregate classification (germline): Conflicting classifications of pathogenicity. Review status: criteria provided, conflicting classifications (1 of 4 stars). 7 submissions from 3 submitters: Uncertain significance (5); Benign (2). Last evaluated 2023-01-23.

Conditions:
Autosomal recessive limb-girdle muscular dystrophy type 2J (LGMDR10). Also called: Limb-girdle muscular dystrophy, type 2J; MUSCULAR DYSTROPHY, LIMB-GIRDLE, AUTOSOMAL RECESSIVE 10. Identifiers: Orphanet 140922, MedGen C1837342, MONDO:0012127, OMIM 608807.
Tibial muscular dystrophy (TMD). Also called: Tibial muscular dystrophy, tardive; UDD MYOPATHY; Udd Distal Myopathy – Tibial Muscular Dystrophy. Identifiers: Orphanet 609, MedGen C1838244, MONDO:0010870, OMIM 600334.
Myopathy, myofibrillar, 9, with early respiratory failure (MFM9). Also called: Hereditary myopathy with early respiratory failure; EDSTROM MYOPATHY; MYOPATHY, PROXIMAL, WITH EARLY RESPIRATORY MUSCLE INVOLVEMENT; Myopathy, distal, with early respiratory failure, autosomal dominant. Identifiers: Orphanet 178464, Orphanet 34521, MedGen C1863599, MONDO:0011362, OMIM 603689.
Early-onset myopathy with fatal cardiomyopathy (CMYO5). Also called: Salih Myopathy; CONGENITAL MYOPATHY 5 WITH CARDIOMYOPATHY. Identifiers: Orphanet 289377, MedGen C2673677, MONDO:0012714, OMIM 611705. Disease mechanism: loss of function.
Dilated cardiomyopathy 1G (CMD1G). Identifiers: Orphanet 154, MedGen C1858763, MONDO:0011400, OMIM 604145.

Allele frequency attached by ClinVar (database versions not stated): TOPMed below 0.00001; gnomAD 0.00001 and 0.00003; ExAC 0.00002; gnomAD exomes 0.00002 and 0.00009; 1000 Genomes Project 30x 0.00016; 1000 Genomes Project 0.00020.
gnomAD v4.1: 134 of 1,613,348 alleles (0.0083%); highest among the groups gnomAD compares: East Asian, 0.3%; no homozygotes.

Submissions (7):

Revvity Omics, Revvity
Classification: Uncertain significance. Last evaluated: 2023-01-23. Review status: criteria provided, single submitter. Criteria: ACMG Guidelines, 2015. Collection method: clinical testing. Allele origin: germline.

Illumina Laboratory Services, Illumina
Classification: Uncertain significance for Early-onset myopathy with fatal cardiomyopathy. Last evaluated: 2018-01-13. Review status: criteria provided, single submitter. Criteria: ICSL Variant Classification Criteria 13 December 2019. Collection method: clinical testing. Allele origin: germline.

Illumina Laboratory Services, Illumina
Classification: Uncertain significance for Dilated cardiomyopathy 1G. Last evaluated: 2018-01-13. Review status: criteria provided, single submitter. Criteria: ICSL Variant Classification Criteria 13 December 2019. Collection method: clinical testing. Allele origin: germline.

Illumina Laboratory Services, Illumina
Classification: Uncertain significance for Autosomal recessive limb-girdle muscular dystrophy type 2J. Last evaluated: 2018-01-13. Review status: criteria provided, single submitter. Criteria: ICSL Variant Classification Criteria 13 December 2019. Collection method: clinical testing. Allele origin: germline.

Illumina Laboratory Services, Illumina
Classification: Benign for Tibial muscular dystrophy. Last evaluated: 2018-01-13. Review status: criteria provided, single submitter. Criteria: ICSL Variant Classification Criteria 13 December 2019. Collection method: clinical testing. Allele origin: germline.
Comment: This variant was observed in the ICSL laboratory as part of a predisposition screen in an ostensibly healthy population. It had not been previously curated by ICSL or reported in the Human Gene Mutation Database (HGMD: prior to June 1st, 2018), and was therefore a candidate for classification through an automated scoring system. Utilizing variant allele frequency, disease prevalence and penetrance estimates, and inheritance mode, an automated score was calculated to assess if this variant is too frequent to cause the disease. Based on the score and internal cut-off values, a variant classified as benign is not then subjected to further curation. The score for this variant resulted in a classification of benign for this disease.

Illumina Laboratory Services, Illumina
Classification: Benign for Myopathy, myofibrillar, 9, with early respiratory failure. Last evaluated: 2018-01-13. Review status: criteria provided, single submitter. Criteria: ICSL Variant Classification Criteria 13 December 2019. Collection method: clinical testing. Allele origin: germline.
Comment: the same text as in the submission from Illumina Laboratory Services, Illumina above.

Eurofins Ntd Llc (ga)
Classification: Uncertain significance. Last evaluated: 2016-09-25. Review status: criteria provided, single submitter. Criteria: EGL Classification Definitions 2015. Collection method: clinical testing. Allele origin: germline. Observed: 1 variant allele, 1 heterozygote.

NM_001267550.2(TTN):c.58207G>C (p.Ala19403Pro)

Genes: TTN (titin; minus strand), TTN-AS1 (TTN antisense RNA 1; plus strand). Cytogenetic location: 2q31.2.
Variant type: single nucleotide variant.
Coding change: c.58207G>C on transcript NM_001267550.2 (MANE Select); coding-DNA position 58207, G replaced by C.
Protein change: p.Ala19403Pro; replaces alanine 19403 with proline.
Molecular consequence: missense variant.
Genome position (GRCh38, 1-based): chr2:178,594,186, C>G on the plus strand (G>C on the coding strand, the complement: TTN is on the minus strand). VCF-style: chr2-178594186-C-G. GRCh37 (hg19) VCF-style: chr2-179458913-C-G.
Other names: c.53284G>C, p.Ala17762Pro (NM_001256850.1); c.31012G>C, p.Ala10338Pro (NM_003319.4); c.50503G>C, p.Ala16835Pro (NM_133378.4); c.31387G>C, p.Ala10463Pro (NM_133432.3); c.31588G>C, p.Ala10530Pro (NM_133437.4); short protein forms A16835P, A19403P, A10338P, A10463P, A10530P, A17762P.
Identifiers: ClinVar variation 290472 (VCV000290472.11), dbSNP rs545185154, ClinGen allele CA1992894.